The following is an entry in ClinVar:

ClinVar aggregate classification (germline): Likely benign. Review status: criteria provided, single submitter (1 of 4 stars). 2 submissions from 2 submitters: Likely benign (1). 1 of the submissions does not count toward it. Last evaluated 2023-05-12.

Conditions:
MESP2-related disorder. Also called: MESP2-related condition.

Allele frequency attached by ClinVar (database versions not stated): gnomAD 0.00001; gnomAD exomes 0.00001.

Submissions (2):

Labcorp Genetics (formerly Invitae), Labcorp
Classification: Likely benign. Last evaluated: 2023-05-12. Review status: criteria provided, single submitter. Criteria: Invitae Variant Classification Sherloc (09022015). Collection method: clinical testing. Allele origin: germline.

PreventionGenetics, part of Exact Sciences
Classification: Likely benign for MESP2-related condition. Last evaluated: 2019-04-24. Review status: no assertion criteria provided. Collection method: clinical testing. Allele origin: germline. Not counted in ClinVar's aggregate classification.
Comment: This variant is classified as likely benign based on ACMG/AMP sequence variant interpretation guidelines (Richards et al. 2015 PMID: 25741868, with internal and published modifications).

NM_001039958.2(MESP2):c.507C>T (p.Gly169=)

Gene: MESP2 (mesoderm posterior bHLH transcription factor 2; plus strand). Cytogenetic location: 15q26.1.
Variant type: single nucleotide variant.
Coding change: c.507C>T on transcript NM_001039958.2 (MANE Select); coding-DNA position 507, C replaced by T.
Protein change: p.Gly169=; no amino-acid change (glycine 169 retained).
Molecular consequence: synonymous variant.
Genome position (GRCh38, 1-based): chr15:89,776,864, C>T. VCF-style: chr15-89776864-C-T. GRCh37 (hg19) VCF-style: chr15-90320095-C-T.
Identifiers: ClinVar variation 795488 (VCV000795488.10), dbSNP rs866276096, ClinGen allele CA274596859.